The following is an entry in ClinVar:

ClinVar aggregate classification (germline): Uncertain significance. Review status: criteria provided, multiple submitters, no conflicts (2 of 4 stars). 2 submissions from 2 submitters: Uncertain significance (2). Last evaluated 2024-03-07.

Conditions:
Familial thoracic aortic aneurysm and aortic dissection (TAAD). Also called: Thoracic aortic aneurysms and dissections. Identifiers: Orphanet 91387, MedGen C4707243, MONDO:0019625.

Allele frequency attached by ClinVar (database versions not stated): ESP Exome Variant Server 0.00008.
gnomAD v4.1: 1 of 1,612,170 alleles (0.000062%); highest among the groups gnomAD compares: Admixed American, 0.0017%; no homozygotes.

Submissions (2):

Color Diagnostics, LLC DBA Color Health
Classification: Uncertain significance for Familial thoracic aortic aneurysm and aortic dissection. Last evaluated: 2024-03-07. Review status: criteria provided, single submitter. Criteria: ACMG Guidelines, 2015. Collection method: clinical testing. Allele origin: germline.
Comment: This missense variant replaces arginine with glycine at codon 1280 of the MYH11 protein. Computational prediction suggests that this variant may have deleterious impact on protein structure and function (internally defined REVEL score threshold >= 0.7, PMID: 27666373). To our knowledge, functional studies have not been reported for this variant. This variant has not been reported in individuals affected with cardiovascular disorders in the literature. This variant has been identified in 1/250094 chromosomes in the general population by the Genome Aggregation Database (gnomAD). The available evidence is insufficient to determine the role of this variant in disease conclusively. Therefore, this variant is classified as a Variant of Uncertain Significance.

Ambry Genetics
Classification: Uncertain significance for Familial thoracic aortic aneurysm and aortic dissection. Last evaluated: 2023-11-02. Review status: criteria provided, single submitter. Criteria: Ambry Variant Classification Scheme 2023. Collection method: clinical testing. Allele origin: germline.
Comment: The p.R1273G variant (also known as c.3817C>G), located in coding exon 27 of the MYH11 gene, results from a C to G substitution at nucleotide position 3817. The arginine at codon 1273 is replaced by glycine, an amino acid with dissimilar properties. This amino acid position is conserved. In addition, the in silico prediction for this alteration is inconclusive. Since supporting evidence is limited at this time, the clinical significance of this alteration remains unclear.

NM_002474.3(MYH11):c.3817C>G (p.Arg1273Gly)

Gene: MYH11 (myosin heavy chain 11; minus strand). Cytogenetic location: 16p13.11.
Variant type: single nucleotide variant.
Coding change: c.3817C>G on transcript NM_002474.3 (MANE Select); coding-DNA position 3817, C replaced by G.
Protein change: p.Arg1273Gly; replaces arginine 1273 with glycine.
Molecular consequence: missense variant.
Genome position (GRCh38, 1-based): chr16:15,726,889, G>C on the plus strand (C>G on the coding strand, the complement: MYH11 is on the minus strand). VCF-style: chr16-15726889-G-C. GRCh37 (hg19) VCF-style: chr16-15820746-G-C.
Other names: c.3838C>G, p.Arg1280Gly (NM_001040113.2, NM_001040114.2); c.3817C>G, p.Arg1273Gly (NM_022844.3); c.3817C>G (NM_002474.2); short protein forms R1273G, R1280G.
Identifiers: ClinVar variation 1172239 (VCV001172239.4), dbSNP rs142227497, ClinGen allele CA7921883.